The following is an entry in ClinVar:

ClinVar aggregate classification (germline): Pathogenic. Review status: criteria provided, multiple submitters, no conflicts (2 of 4 stars). 2 submissions from 2 submitters: Pathogenic (2). Last evaluated 2026-05-19.

Conditions:
Gorlin syndrome. Also called: Nevoid Basal Cell Carcinoma Syndrome; Basal cell nevus syndrome. Identifiers: Orphanet 377, MedGen C0004779, MONDO:0007187.

Submissions (2):

Clinical Genetics Laboratory, Skane University Hospital Lund
Classification: Pathogenic for Gorlin syndrome. Last evaluated: 2026-05-19. Review status: criteria provided, single submitter. Criteria: ACMG Guidelines, 2015. Collection method: clinical testing. Allele origin: germline. Affected: yes.
Comment: ACMG criteria used: PVS1, PM2, PP4_Strong

Labcorp Genetics (formerly Invitae), Labcorp
Classification: Pathogenic for Gorlin syndrome. Last evaluated: 2020-09-16. Review status: criteria provided, single submitter. Criteria: Invitae Variant Classification Sherloc (09022015). Collection method: clinical testing. Allele origin: germline.
Comment: For these reasons, this variant has been classified as Pathogenic. Loss-of-function variants in PTCH1 are known to be pathogenic (PMID: 16301862, 16419085). This variant has not been reported in the literature in individuals with PTCH1-related conditions. This variant is not present in population databases (ExAC no frequency). This sequence change creates a premature translational stop signal (p.Phe790Leufs*16) in the PTCH1 gene. It is expected to result in an absent or disrupted protein product.

Literature cited by the submitters: PubMed 16301862 (cited by Labcorp Genetics (formerly Invitae), Labcorp); PubMed 16419085 (cited by Labcorp Genetics (formerly Invitae), Labcorp).

NM_000264.5(PTCH1):c.2370del (p.Phe790fs)

Genes: PTCH1 (patched 1; minus strand), LOC100507346 (uncharacterized LOC100507346; plus strand). Cytogenetic location: 9q22.32.
Variant type: Deletion.
Coding change: c.2370del on transcript NM_000264.5 (MANE Select); coding-DNA position 2370, one base deleted (T; older notation c.2370delT).
Protein change: p.Phe790fs; shifts the reading frame from phenylalanine 790.
Molecular consequence: frameshift variant.
Genome position (GRCh38, 1-based): chr9:95,467,306, A deleted on the plus strand (T on the coding strand, the reverse complement: PTCH1 is on the minus strand); the first of 3 consecutive A bases (chr9:95,467,306-95,467,308); deleting any one gives the same sequence. VCF-style (leftmost placement, unchanged base first): chr9-95467305-TA-T. GRCh37 (hg19) VCF-style: chr9-98229587-TA-T.
Other names: c.2172del, p.Phe724fs (NM_001083602.3); c.2367del, p.Phe789fs (NM_001083603.3); c.1917del, p.Phe639fs (NM_001083604.3, NM_001083605.3, NM_001083606.3 and 1 more transcripts); c.2214del, p.Phe738fs (NM_001354918.2); short protein forms F639fs, F724fs, F738fs, F789fs, F790fs.
Identifiers: ClinVar variation 1075361 (VCV001075361.8), dbSNP rs2117966753, ClinGen allele CA2499220046.
Genomic context (GRCh38, chr9:95,467,305, plus strand): 5'-CTGCTTTCTGGGTGACTATATACATGTTGTAGAAAGAAAAGTATTTGAATTGTGCAGCAA[TA>T]AAGTCATATTCTCTGGTTTCCCGAGGTACAATGTCCGTAAGGTCCAGCCCGTCTCTCACT-3'